The following is an entry in ClinVar:

NM_001080512.3(BICC1):c.2246C>T (p.Thr749Met)

Genes: BICC1 (BicC family RNA binding protein 1; plus strand), LOC126860938 (MED14-independent group 3 enhancer GRCh37_chr10:60566642-60567841; plus strand). Cytogenetic location: 10q21.1.
Variant type: single nucleotide variant.
Coding change: c.2246C>T on transcript NM_001080512.3 (MANE Select); coding-DNA position 2246, C replaced by T.
Protein change: p.Thr749Met; replaces threonine 749 with methionine.
Molecular consequence: missense variant.
Genome position (GRCh38, 1-based): chr10:58,807,028, C>T. VCF-style: chr10-58807028-C-T. GRCh37 (hg19) VCF-style: chr10-60566788-C-T.
Other names: short protein forms T749M.
Identifiers: ClinVar variation 3606609 (VCV003606609.2).
Genomic context (GRCh38, chr10:58,807,028, plus strand): 5'-AACATACCAAGCATTGGTTTTATTTTGTTTCCAAAGCTATGTTAAAGAAACCAGTGGTGA[C>T]GGAGGTCAGAACGCCCACAAATACCTGGAGTGGCCTGGGTTTTTCTAAATCCATGCCAGC-3'
Protein context (NP_001073981.1, residues 739-759): TKAMLKKPVV[Thr749Met]EVRTPTNTWS

ClinVar aggregate classification (germline): Uncertain significance (1 of 4 stars; one submission).

Submission:

Labcorp Genetics (formerly Invitae), Labcorp
Classification: Uncertain significance. Last evaluated: 2024-12-14. Review status: criteria provided, single submitter. Criteria: Invitae Variant Classification Sherloc (09022015). Collection method: clinical testing. Allele origin: germline.
Comment: This sequence change replaces threonine, which is neutral and polar, with methionine, which is neutral and non-polar, at codon 749 of the BICC1 protein (p.Thr749Met). This variant is not present in population databases (gnomAD no frequency). This variant has not been reported in the literature in individuals affected with BICC1-related conditions. An algorithm developed to predict the effect of missense changes on protein structure and function (PolyPhen-2) suggests that this variant is likely to be disruptive. In summary, the available evidence is currently insufficient to determine the role of this variant in disease. Therefore, it has been classified as a Variant of Uncertain Significance.